The following is an entry in ClinVar:

NM_007294.4(BRCA1):c.4607del (p.Glu1536fs)

Gene: BRCA1 (BRCA1 DNA repair associated; minus strand). Cytogenetic location: 17q21.31.
Variant type: Deletion.
Coding change: c.4607del on transcript NM_007294.4 (MANE Select); coding-DNA position 4607, one base deleted (A; older notation c.4607delA).
Protein change: p.Glu1536fs; shifts the reading frame from glutamic acid 1536.
Molecular consequence: frameshift variant. On other transcripts: intron variant (3).
Genome position (GRCh38, 1-based): chr17:43,074,399, T deleted on the plus strand (A on the coding strand, the reverse complement: BRCA1 is on the minus strand). VCF-style (leftmost placement, unchanged base first): chr17-43074398-CT-C. GRCh37 (hg19) VCF-style: chr17-41226415-CT-C.
Other names: c.4460del, p.Glu1487fs (NM_001407848.1, NM_001407850.1, NM_001407851.1 and 12 more transcripts); c.4607del, p.Glu1536fs (NM_001407854.1, NM_001407593.1, NM_001407594.1 and 8 more transcripts); c.4604del, p.Glu1535fs (NM_001407858.1, NM_001407859.1, NM_001407860.1 and 17 more transcripts); c.4601del, p.Glu1534fs (NM_001407861.1, NM_001407627.1, NM_001407628.1 and 14 more transcripts); c.1154del, p.Glu385fs (NM_001408459.1, NM_001408462.1, NM_001408461.1 and 7 more transcripts); c.4406del, p.Glu1469fs (NM_001407862.1); c.4397del, p.Glu1466fs (NM_001407882.1, NM_001407879.1, NM_001407881.1 and 5 more transcripts); c.4400del, p.Glu1467fs (NM_001407875.1, NM_001407874.1); and 71 more; short protein forms E1367fs, E1423fs, E1424fs, E1446fs, E1448fs, E1469fs, E1509fs, E1517fs.
Identifiers: ClinVar variation 3655667 (VCV003655667.2).

ClinVar aggregate classification (germline): Pathogenic (1 of 4 stars; one submission).

Conditions:
Hereditary breast ovarian cancer syndrome. Also called: BRCA1- and BRCA2-Associated Hereditary Breast and Ovarian Cancer; Breast and ovarian cancer; Hereditary breast and ovarian cancer syndrome (HBOC); Hereditary breast and ovarian cancer syndrome; Hereditary breast and/or ovarian cancer syndrome; Hereditary breast and ovarian cancer. Identifiers: Orphanet 145, MedGen C0677776, MeSH D061325, MONDO:0003582. Disease mechanism: loss of function.

Submission:

Labcorp Genetics (formerly Invitae), Labcorp
Classification: Pathogenic for Hereditary breast ovarian cancer syndrome. Last evaluated: 2024-06-10. Review status: criteria provided, single submitter. Criteria: Invitae Variant Classification Sherloc (09022015). Collection method: clinical testing. Allele origin: germline.
Comment: This sequence change creates a premature translational stop signal (p.Glu1536Glyfs*12) in the BRCA1 gene. It is expected to result in an absent or disrupted protein product. Loss-of-function variants in BRCA1 are known to be pathogenic (PMID: 20104584). This variant is not present in population databases (gnomAD no frequency). This variant has not been reported in the literature in individuals affected with BRCA1-related conditions. Algorithms developed to predict the effect of sequence changes on RNA splicing suggest that this variant may disrupt the consensus splice site. For these reasons, this variant has been classified as Pathogenic.

Literature cited by the submitters: PubMed 20104584.